The following is an entry in ClinVar:

ClinVar aggregate classification (germline): Uncertain significance. Review status: criteria provided, multiple submitters, no conflicts (2 of 4 stars). 2 submissions from 2 submitters: Uncertain significance (2). Last evaluated 2025-09-11.

Conditions:
Familial thoracic aortic aneurysm and aortic dissection (TAAD). Also called: Thoracic aortic aneurysms and dissections. Identifiers: Orphanet 91387, MedGen C4707243, MONDO:0019625.

Submissions (2):

Color Diagnostics, LLC DBA Color Health
Classification: Uncertain significance for Familial thoracic aortic aneurysm and aortic dissection. Last evaluated: 2025-09-11. Review status: criteria provided, single submitter. Criteria: ACMG Guidelines, 2015. Collection method: clinical testing. Allele origin: germline.
Comment: This missense variant replaces methionine with arginine at codon 997 of the MYH11 protein. Computational prediction is inconclusive regarding the impact of this variant on protein structure and function. To our knowledge, functional studies have not been reported for this variant. This variant has not been reported in individuals affected with MYH11-related disorders in the literature. This variant has not been identified in the general population by the Genome Aggregation Database (gnomAD). The available evidence is insufficient to determine the role of this variant in disease conclusively. Therefore, this variant is classified as a Variant of Uncertain Significance.

Ambry Genetics
Classification: Uncertain significance for Familial thoracic aortic aneurysm and aortic dissection. Last evaluated: 2025-08-24. Review status: criteria provided, single submitter. Criteria: Ambry Variant Classification Scheme 2023. Collection method: clinical testing. Allele origin: germline.
Comment: The p.M990R variant (also known as c.2969T>G), located in coding exon 22 of the MYH11 gene, results from a T to G substitution at nucleotide position 2969. The methionine at codon 990 is replaced by arginine, an amino acid with similar properties. This amino acid position is conserved. In addition, the in silico prediction for this alteration is inconclusive. Based on the available evidence, the clinical significance of this variant remains unclear.

NM_002474.3(MYH11):c.2969T>G (p.Met990Arg)

Gene: MYH11 (myosin heavy chain 11; minus strand). Cytogenetic location: 16p13.11.
Variant type: single nucleotide variant.
Coding change: c.2969T>G on transcript NM_002474.3 (MANE Select); coding-DNA position 2969, T replaced by G.
Protein change: p.Met990Arg; replaces methionine 990 with arginine.
Molecular consequence: missense variant.
Genome position (GRCh38, 1-based): chr16:15,740,079, A>C on the plus strand (T>G on the coding strand, the complement: MYH11 is on the minus strand). VCF-style: chr16-15740079-A-C. GRCh37 (hg19) VCF-style: chr16-15833936-A-C.
Other names: c.2990T>G, p.Met997Arg (NM_001040113.2, NM_001040114.2); c.2969T>G, p.Met990Arg (NM_022844.3); short protein forms M990R, M997R.
Identifiers: ClinVar variation 4114594 (VCV004114594.2).
Genomic context (GRCh38, chr16:15,740,079, plus strand): 5'-GGCGTGAGCCACTGCACCCGGCCCCTACTCACTTTTGATAGTTTATTGTTCTGATCATCC[A>C]TGACCAGGATCTCATCCTCCAGTTTCTTGATCTTGGCCTCAGCCGTGACCTTCTCAAGTT-3'
Protein context (NP_002465.1, residues 980-1000): IKKLEDEILV[Met990Arg]DDQNNKLSKE